The following is an entry in ClinVar:

ClinVar aggregate classification (germline): Pathogenic (1 of 4 stars; one submission).

Conditions:
Recessive dystrophic epidermolysis bullosa (RDEB). Also called: DYSTROPHIC EPIDERMOLYSIS BULLOSA, AUTOSOMAL RECESSIVE; EPIDERMOLYSIS BULLOSA DYSTROPHICA, HALLOPEAU-SIEMENS TYPE; Hallopeau-Siemens Disease; severe generalized recessive dystrophic epidermolysis bullosa; EPIDERMOLYSIS BULLOSA DYSTROPHICA, GENERALIZED SEVERE, AUTOSOMAL RECESSIVE; Epidermolysis Bullosa Distrophica Autosomal Recessive (RDEB). Identifiers: Orphanet 79408, Orphanet 79409, MedGen C0079474, MONDO:0009179, OMIM 226600.

Submission:

Myriad Genetics, Inc.
Classification: Pathogenic for Recessive dystrophic epidermolysis bullosa. Last evaluated: 2025-09-11. Review status: criteria provided, single submitter. Criteria: Myriad Autosomal Dominant, Autosomal Recessive and X-Linked Classification Criteria (2023). Collection method: clinical testing. Allele origin: unknown.
Comment: NM_000094.3(COL7A1):c.7095delA(G2366Vfs*22) is expected to be pathogenic in the context of dystrophic epidermolysis bullosa. This variant is predicted to lead to an abnormal or absent protein product due to the creation of a premature termination codon in COL7A1, a gene where loss-of-function variants are known to be pathogenic. Please note: this variant was assessed in the context of healthy population screening.

NM_000094.4(COL7A1):c.7095del (p.Gly2366fs)

Gene: COL7A1 (collagen type VII alpha 1 chain; minus strand). Cytogenetic location: 3p21.31.
Variant type: Deletion.
Coding change: c.7095del on transcript NM_000094.4 (MANE Select); coding-DNA position 7095, one base deleted (A; older notation c.7095delA).
Protein change: p.Gly2366fs; shifts the reading frame from glycine 2366.
Molecular consequence: frameshift variant.
Genome position (GRCh38, 1-based): chr3:48,571,252, T deleted on the plus strand (A on the coding strand, the reverse complement: COL7A1 is on the minus strand); the first of 3 consecutive T bases (chr3:48,571,252-48,571,254); deleting any one gives the same sequence. VCF-style (leftmost placement, unchanged base first): chr3-48571251-CT-C. GRCh37 (hg19) VCF-style: chr3-48608684-CT-C.
Other names: short protein forms G2366fs.
Identifiers: ClinVar variation 5014962 (VCV005014962.1).
Genomic context (GRCh38, chr3:48,571,251, plus strand): 5'-CAGGGAGTCTCACGACCAGGACCCCAGCAGGGACCCTTCTGGGTACACATACCTTGAAAC[CT>C]TTGGGTCCTGGAGCCCCTTTCTGACCCTAAGAAAACCCAGCAAACAGCATTTGAGAGGGT-3'